The following is an entry in ClinVar:

ClinVar aggregate classification (germline): Uncertain significance (1 of 4 stars; one submission).

Conditions:
Glycogen storage disease, type II (IOPD). Also called: POMPE DISEASE, INFANTILE-ONSET; GLYCOGEN STORAGE DISEASE II, INFANTILE-ONSET; ACID ALPHA-GLUCOSIDASE DEFICIENCY, INFANTILE-ONSET; GAA DEFICIENCY, INFANTILE-ONSET; ACID MALTASE DEFICIENCY, INFANTILE-ONSET; GLYCOGENOSIS, GENERALIZED, CARDIAC FORM. Identifiers: Orphanet 365, MedGen C0017921, MONDO:0009290, OMIM 232300.

Submission:

Labcorp Genetics (formerly Invitae), Labcorp
Classification: Uncertain significance for Glycogen storage disease, type II. Last evaluated: 2020-08-11. Review status: criteria provided, single submitter. Criteria: Invitae Variant Classification Sherloc (09022015). Collection method: clinical testing. Allele origin: germline.
Comment: In summary, the available evidence is currently insufficient to determine the role of this variant in disease. Therefore, it has been classified as a Variant of Uncertain Significance. Advanced modeling of protein sequence and biophysical properties (such as structural, functional, and spatial information, amino acid conservation, physicochemical variation, residue mobility, and thermodynamic stability) performed at Invitae indicates that this missense variant is expected to disrupt GAA protein function. This variant has not been reported in the literature in individuals with GAA-related conditions. This variant is not present in population databases (ExAC no frequency). This sequence change replaces proline with serine at codon 347 of the GAA protein (p.Pro347Ser). The proline residue is highly conserved and there is a moderate physicochemical difference between proline and serine.

NM_000152.5(GAA):c.1039C>T (p.Pro347Ser)

Gene: GAA (alpha glucosidase; plus strand). Cytogenetic location: 17q25.3.
Variant type: single nucleotide variant.
Coding change: c.1039C>T on transcript NM_000152.5 (MANE Select); coding-DNA position 1039, C replaced by T.
Protein change: p.Pro347Ser; replaces proline 347 with serine.
Molecular consequence: missense variant.
Genome position (GRCh38, 1-based): chr17:80,108,373, C>T. VCF-style: chr17-80108373-C-T. GRCh37 (hg19) VCF-style: chr17-78082172-C-T.
Other names: c.1039C>T, p.Pro347Ser (NM_001079803.3, NM_001079804.3); short protein forms P347S.
Identifiers: ClinVar variation 1002609 (VCV001002609.9), dbSNP rs2039144354, ClinGen allele CA401364688.